The following is an entry in ClinVar:

NM_006206.6(PDGFRA):c.2026T>C (p.Tyr676His)

Gene: PDGFRA (platelet derived growth factor receptor alpha; plus strand). Cytogenetic location: 4q12.
Variant type: single nucleotide variant.
Coding change: c.2026T>C on transcript NM_006206.6 (MANE Select); coding-DNA position 2026, T replaced by C.
Protein change: p.Tyr676His; replaces tyrosine 676 with histidine.
Molecular consequence: missense variant.
Genome position (GRCh38, 1-based): chr4:54,278,385, T>C. VCF-style: chr4-54278385-T-C. GRCh37 (hg19) VCF-style: chr4-55144552-T-C.
Other names: c.2026T>C, p.Tyr676His (NM_001347827.2, NM_001347829.2); c.2101T>C, p.Tyr701His (NM_001347828.2); c.2065T>C, p.Tyr689His (NM_001347830.2); c.2026T>C (NM_006206.4); short protein forms Y689H, Y676H, Y701H.
Identifiers: ClinVar variation 1487429 (VCV001487429.7), dbSNP rs747598419, ClinGen allele CA2922739.
Genomic context (GRCh38, chr4:54,278,385, plus strand): 5'-TTTCATACCCATCTCCTAACGGCTTTTGTCCCCATAGGCCCCATTTACATCATCACAGAG[T>C]ATTGCTTCTATGGAGATTTGGTCAACTATTTGCATAAGAATAGGGATAGCTTCCTGAGCC-3'
Protein context (NP_006197.1, residues 666-686): KSGPIYIITE[Tyr676His]CFYGDLVNYL

ClinVar aggregate classification (germline): Uncertain significance. Review status: criteria provided, multiple submitters, no conflicts (2 of 4 stars). 2 submissions from 2 submitters: Uncertain significance (2). Last evaluated 2026-06-09.

Conditions:
Hereditary cancer-predisposing syndrome. Also called: Hereditary neoplastic syndrome; Tumor predisposition; Hereditary Cancer Syndrome; Neoplastic Syndromes, Hereditary. Identifiers: Orphanet 140162, MedGen C0027672, MeSH D009386, MONDO:0015356.
Gastrointestinal stromal tumor. Also called: Gastrointestinal stroma tumor; Gastrointestinal stromal tumor, somatic. Identifiers: Orphanet 44890, MedGen C0238198, MeSH D046152, MONDO:0011719, OMIM 606764, HP:0100723.

Allele frequency attached by ClinVar (database versions not stated): gnomAD exomes below 0.00001; ExAC 0.00001.

Submissions (2):

Ambry Genetics
Classification: Uncertain significance for Hereditary cancer-predisposing syndrome. Last evaluated: 2026-06-09. Review status: criteria provided, single submitter. Criteria: Ambry Variant Classification Scheme 2023. Collection method: clinical testing. Allele origin: germline.
Comment: The p.Y676H variant (also known as c.2026T>C), located in coding exon 14 of the PDGFRA gene, results from a T to C substitution at nucleotide position 2026. The tyrosine at codon 676 is replaced by histidine, an amino acid with similar properties. This amino acid position is conserved. In addition, this alteration is predicted to be deleterious by in silico analysis. Based on the available evidence, the clinical significance of this variant remains unclear.

Labcorp Genetics (formerly Invitae), Labcorp
Classification: Uncertain significance for Gastrointestinal stromal tumor. Last evaluated: 2025-09-11. Review status: criteria provided, single submitter. Criteria: Invitae Variant Classification Sherloc (09022015). Collection method: clinical testing. Allele origin: germline.
Comment: This sequence change replaces tyrosine, which is neutral and polar, with histidine, which is basic and polar, at codon 676 of the PDGFRA protein (p.Tyr676His). This variant is present in population databases (rs747598419, gnomAD 0.007%). This variant has not been reported in the literature in individuals affected with PDGFRA-related conditions. ClinVar contains an entry for this variant (Variation ID: 1487429). Invitae Evidence Modeling of protein sequence and biophysical properties (such as structural, functional, and spatial information, amino acid conservation, physicochemical variation, residue mobility, and thermodynamic stability) has been performed for this missense variant. However, the output from this modeling did not meet the statistical confidence thresholds required to predict the impact of this variant on PDGFRA protein function. In summary, the available evidence is currently insufficient to determine the role of this variant in disease. Therefore, it has been classified as a Variant of Uncertain Significance.